The following is an entry in ClinVar:

NM_201596.3(CACNB2):c.403G>A (p.Val135Met)

Gene: CACNB2 (calcium voltage-gated channel auxiliary subunit beta 2; plus strand). Cytogenetic location: 10p12.31.
Variant type: single nucleotide variant.
Coding change: c.403G>A on transcript NM_201596.3 (MANE Select); coding-DNA position 403, G replaced by A.
Protein change: p.Val135Met; replaces valine 135 with methionine.
Molecular consequence: missense variant.
Genome position (GRCh38, 1-based): chr10:18,498,424, G>A. VCF-style: chr10-18498424-G-A. GRCh37 (hg19) VCF-style: chr10-18787353-G-A.
Other names: c.238G>A, p.Val80Met (NM_000724.4, NM_001330060.2); c.319G>A, p.Val107Met (NM_001167945.2, NM_201571.4, NM_201572.4); c.259G>A, p.Val87Met (NM_001410882.1, NM_201570.3); c.241G>A, p.Val81Met (NM_201590.3); c.403G>A, p.Val135Met (NM_201593.3, NM_201597.3); short protein forms V107M, V80M, V81M, V135M, V87M.
Identifiers: ClinVar variation 3262856 (VCV003262856.1).

ClinVar aggregate classification (germline): Uncertain significance (1 of 4 stars; one submission).

Conditions:
Cardiovascular phenotype. Identifiers: MedGen CN230736.

Submission:

Ambry Genetics
Classification: Uncertain significance for Cardiovascular phenotype. Last evaluated: 2024-06-03. Review status: criteria provided, single submitter. Criteria: Ambry Variant Classification Scheme 2023. Collection method: clinical testing. Allele origin: germline.
Comment: The p.V81M variant (also known as c.241G>A), located in coding exon 3 of the CACNB2 gene, results from a G to A substitution at nucleotide position 241. The valine at codon 81 is replaced by methionine, an amino acid with highly similar properties. This amino acid position is conserved. In addition, this alteration is predicted to be deleterious by in silico analysis. Based on the available evidence, the clinical significance of this variant remains unclear.